The following is an entry in ClinVar:

ClinVar aggregate classification (germline): Uncertain significance (1 of 4 stars; one submission).

Conditions:
Congenital myasthenic syndrome 2A. Also called: Myasthenic syndrome, congenital, 2a, slow-channel. Identifiers: Orphanet 590, MedGen C4225374, MONDO:0014581, OMIM 616313.

Allele frequency attached by ClinVar (database versions not stated): gnomAD exomes below 0.00001.
gnomAD v4.1: 1 of 1,612,874 alleles (0.000062%); highest among the groups gnomAD compares: Non-Finnish European, 0.000085%; no homozygotes.

Submission:

Labcorp Genetics (formerly Invitae), Labcorp
Classification: Uncertain significance for Congenital myasthenic syndrome 2A. Last evaluated: 2024-02-24. Review status: criteria provided, single submitter. Criteria: Invitae Variant Classification Sherloc (09022015). Collection method: clinical testing. Allele origin: germline.
Comment: This sequence change replaces arginine, which is basic and polar, with glutamine, which is neutral and polar, at codon 31 of the CHRNB1 protein (p.Arg31Gln). This variant is not present in population databases (gnomAD no frequency). This variant has not been reported in the literature in individuals affected with CHRNB1-related conditions. ClinVar contains an entry for this variant (Variation ID: 2194310). Advanced modeling of protein sequence and biophysical properties (such as structural, functional, and spatial information, amino acid conservation, physicochemical variation, residue mobility, and thermodynamic stability) performed at Invitae indicates that this missense variant is not expected to disrupt CHRNB1 protein function with a negative predictive value of 80%. In summary, the available evidence is currently insufficient to determine the role of this variant in disease. Therefore, it has been classified as a Variant of Uncertain Significance.

NM_000747.3(CHRNB1):c.92G>A (p.Arg31Gln)

Gene: CHRNB1 (cholinergic receptor nicotinic beta 1 subunit; plus strand). Cytogenetic location: 17p13.1.
Variant type: single nucleotide variant.
Coding change: c.92G>A on transcript NM_000747.3 (MANE Select); coding-DNA position 92, G replaced by A.
Protein change: p.Arg31Gln; replaces arginine 31 with glutamine.
Molecular consequence: missense variant.
Genome position (GRCh38, 1-based): chr17:7,445,303, G>A. VCF-style: chr17-7445303-G-A. GRCh37 (hg19) VCF-style: chr17-7348622-G-A.
Other names: short protein forms R31Q.
Identifiers: ClinVar variation 2194310 (VCV002194310.4), dbSNP rs2507845951, ClinGen allele CA397786812.
Genomic context (GRCh38, chr17:7,445,303, plus strand): 5'-GGCTGCACTTATTCTCTCCTCCCCCAGGCGTCCGCGGCTCGGAGGCGGAGGGTCGACTCC[G>A]GGAGAAACTTTTCTCTGGCTATGATAGCTCCGTGCGGCCAGCGCGGGAGGTGGGAGACCG-3'
Protein context (NP_000738.2, residues 21-41): VRGSEAEGRL[Arg31Gln]EKLFSGYDSS